The following is an entry in ClinVar:

NM_005630.3(SLCO2A1):c.1799A>T (p.Asp600Val)

Gene: SLCO2A1 (solute carrier organic anion transporter family member 2A1; minus strand). Cytogenetic location: 3q22.1.
Variant type: single nucleotide variant.
Coding change: c.1799A>T on transcript NM_005630.3 (MANE Select); coding-DNA position 1799, A replaced by T.
Protein change: p.Asp600Val; replaces aspartic acid 600 with valine.
Molecular consequence: missense variant.
Genome position (GRCh38, 1-based): chr3:133,935,789, T>A on the plus strand (A>T on the coding strand, the complement: SLCO2A1 is on the minus strand). VCF-style: chr3-133935789-T-A. GRCh37 (hg19) VCF-style: chr3-133654633-T-A.
Other names: short protein forms D600V.
Identifiers: ClinVar variation 1950910 (VCV001950910.5), dbSNP rs2530952440, ClinGen allele CA354615245.

ClinVar aggregate classification (germline): Uncertain significance (1 of 4 stars; one submission).

Submission:

Labcorp Genetics (formerly Invitae), Labcorp
Classification: Uncertain significance. Last evaluated: 2022-06-24. Review status: criteria provided, single submitter. Criteria: Invitae Variant Classification Sherloc (09022015). Collection method: clinical testing. Allele origin: germline.
Comment: In summary, the available evidence is currently insufficient to determine the role of this variant in disease. Therefore, it has been classified as a Variant of Uncertain Significance. Algorithms developed to predict the effect of missense changes on protein structure and function are either unavailable or do not agree on the potential impact of this missense change (SIFT: "Deleterious"; PolyPhen-2: "Possibly Damaging"; Align-GVGD: "Class C0"). This variant has not been reported in the literature in individuals affected with SLCO2A1-related conditions. This variant is not present in population databases (gnomAD no frequency). This sequence change replaces aspartic acid, which is acidic and polar, with valine, which is neutral and non-polar, at codon 600 of the SLCO2A1 protein (p.Asp600Val).